The following is an entry in ClinVar:

NM_014244.5(ADAMTS2):c.1315del (p.Val439fs)

Gene: ADAMTS2 (ADAM metallopeptidase with thrombospondin type 1 motif 2; minus strand). Cytogenetic location: 5q35.3.
Variant type: Deletion.
Coding change: c.1315del on transcript NM_014244.5 (MANE Select); coding-DNA position 1315, one base deleted (G; older notation c.1315delG).
Protein change: p.Val439fs; shifts the reading frame from valine 439.
Molecular consequence: frameshift variant.
Genome position (GRCh38, 1-based): chr5:179,154,116, C deleted on the plus strand (G on the coding strand, the reverse complement: ADAMTS2 is on the minus strand); the first of 2 consecutive C bases (chr5:179,154,116-179,154,117); deleting either gives the same sequence. VCF-style (leftmost placement, unchanged base first): chr5-179154115-AC-A. GRCh37 (hg19) VCF-style: chr5-178581116-AC-A.
Other names: c.1315del, p.Val439fs (NM_021599.4); short protein forms V439fs.
Identifiers: ClinVar variation 1726951 (VCV001726951.2), dbSNP rs2480242747, ClinGen allele CA2580074101.

ClinVar aggregate classification (germline): Likely pathogenic (1 of 4 stars; one submission).

Conditions:
Ehlers-Danlos syndrome, dermatosparaxis type. Also called: Dermatosparaxis; EDS VIIC; Ehlers-Danlos syndrome, type VII, autosomal recessive. Identifiers: Orphanet 1901, MedGen C2700425, MONDO:0009161, OMIM 225410.

Submission:

Myriad Genetics, Inc.
Classification: Likely pathogenic for Ehlers-Danlos syndrome, dermatosparaxis type. Last evaluated: 2022-01-02. Review status: criteria provided, single submitter. Criteria: Myriad Women's Health Autosomal Recessive and X-Linked Classification Criteria (2021). Collection method: clinical testing. Allele origin: unknown.
Comment: NM_014244.4(ADAMTS2):c.1315delG(V439Cfs*18) is expected to be pathogenic in the context of Ehlers-Danlos syndrome type VIIC. This variant is predicted to lead to an abnormal or absent protein product due to the creation of a premature termination codon in ADAMTS2, a gene where loss-of-function variants are known to be pathogenic. Please note: this variant was assessed in the context of healthy population screening.